The following is an entry in ClinVar:

ClinVar aggregate classification (germline): Uncertain significance (1 of 4 stars; one submission).

Conditions:
Tuberous sclerosis 2 (TSC2). Identifiers: Orphanet 805, MedGen C1860707, MONDO:0013199, OMIM 613254.

Submission:

Labcorp Genetics (formerly Invitae), Labcorp
Classification: Uncertain significance for Tuberous sclerosis 2. Last evaluated: 2025-11-10. Review status: criteria provided, single submitter. Criteria: Invitae Variant Classification Sherloc (09022015). Collection method: clinical testing. Allele origin: germline.
Comment: This sequence change replaces isoleucine, which is neutral and non-polar, with phenylalanine, which is neutral and non-polar, at codon 40 of the TSC2 protein (p.Ile40Phe). This variant is not present in population databases (gnomAD no frequency). This variant has not been reported in the literature in individuals affected with TSC2-related conditions. ClinVar contains an entry for this variant (Variation ID: 2061346). Invitae Evidence Modeling of protein sequence and biophysical properties (such as structural, functional, and spatial information, amino acid conservation, physicochemical variation, residue mobility, and thermodynamic stability) indicates that this missense variant is not expected to disrupt TSC2 protein function with a negative predictive value of 95%. In summary, the available evidence is currently insufficient to determine the role of this variant in disease. Therefore, it has been classified as a Variant of Uncertain Significance.

NM_000548.5(TSC2):c.118A>T (p.Ile40Phe)

Gene: TSC2 (TSC complex subunit 2; plus strand). Cytogenetic location: 16p13.3.
Variant type: single nucleotide variant.
Coding change: c.118A>T on transcript NM_000548.5 (MANE Select); coding-DNA position 118, A replaced by T.
Protein change: p.Ile40Phe; replaces isoleucine 40 with phenylalanine.
Molecular consequence: missense variant. On other transcripts: 5 prime UTR variant (1), intron variant (1).
Genome position (GRCh38, 1-based): chr16:2,048,733, A>T. VCF-style: chr16-2048733-A-T. GRCh37 (hg19) VCF-style: chr16-2098734-A-T.
Other names: c.118A>T, p.Ile40Phe (NM_001077183.3, NM_001114382.3, NM_001318827.2 and 13 more transcripts); c.-109A>T (NM_001318831.2, NM_001406682.1, NM_001406684.1 and 2 more transcripts); c.151A>T, p.Ile51Phe (NM_001318832.2); c.-699A>T (NM_001406680.1, NM_001406683.1, NM_001406687.1); c.-328A>T (NM_001406681.1); c.-1314A>T (NM_001406689.1, NM_001406690.1, NM_001406691.1 and 2 more transcripts); c.-1620A>T (NM_001406693.1); c.-1195A>T (NM_001406694.1, NM_001406695.1); and 3 more; short protein forms I40F, I51F.
Identifiers: ClinVar variation 2061346 (VCV002061346.4), dbSNP rs2084683845, ClinGen allele CA394301663.